The following is an entry in ClinVar:

ClinVar aggregate classification (germline): Uncertain significance (1 of 4 stars; one submission).

gnomAD v4.1: 2 of 1,614,026 alleles (0.00012%); highest among the groups gnomAD compares: African/African-American, 0.0013%; no homozygotes.

Submission:

GeneDx
Classification: Uncertain significance. Last evaluated: 2017-05-31. Review status: criteria provided, single submitter. Criteria: GeneDx Variant Classification (06012015). Collection method: clinical testing. Allele origin: germline. Affected: yes.
Comment: A variant of uncertain significance has been identified in the FAT4 gene. The R4891G variant has not been published as a pathogenic variant, nor has it been reported as a benign variant to our knowledge. The R4891G variant is not observed in large population cohorts (Lek et al., 2016; 1000 Genomes Consortium et al., 2015; Exome Variant Server). The R4891G variant is a non-conservative amino acid substitution, which is likely to impact secondary protein structure as these residues differ in polarity, charge, size and/or other properties. This substitution occurs at a position that is conserved across species. However, in silico analysis is inconsistent in its predictions as to whether or not the variant is damaging to the protein structure/function Therefore, based on the currently available information, it is unclear whether this variant is a pathogenic variant or a rare benign variant.

NM_001291303.3(FAT4):c.14677C>G (p.Arg4893Gly)

Gene: FAT4 (FAT atypical cadherin 4; plus strand). Cytogenetic location: 4q28.1.
Variant type: single nucleotide variant.
Coding change: c.14677C>G on transcript NM_001291303.3 (MANE Select); coding-DNA position 14677, C replaced by G.
Protein change: p.Arg4893Gly; replaces arginine 4893 with glycine.
Molecular consequence: missense variant.
Genome position (GRCh38, 1-based): chr4:125,491,493, C>G. VCF-style: chr4-125491493-C-G. GRCh37 (hg19) VCF-style: chr4-126412648-C-G.
Other names: c.14674C>G, p.Arg4892Gly (NM_001291285.3); c.14671C>G, p.Arg4891Gly (NM_024582.6); short protein forms R4891G, R4893G, R4892G.
Identifiers: ClinVar variation 432389 (VCV000432389.2), dbSNP rs765997899, ClinGen allele CA3074602.